The following is an entry in ClinVar:

ClinVar aggregate classification (germline): Uncertain significance. Review status: criteria provided, multiple submitters, no conflicts (2 of 4 stars). 2 submissions from 2 submitters: Uncertain significance (2). Last evaluated 2022-08-17.

Conditions:
Inborn genetic diseases. Identifiers: MedGen C0950123, MeSH D030342.

Allele frequency attached by ClinVar (database versions not stated): gnomAD 0.00006; gnomAD exomes 0.00003; ExAC 0.00010; TOPMed 0.00011.

Submissions (2):

Ambry Genetics
Classification: Uncertain significance for Inborn genetic diseases. Last evaluated: 2022-08-17. Review status: criteria provided, single submitter. Criteria: Ambry Variant Classification Scheme 2023. Collection method: clinical testing. Allele origin: germline.

Labcorp Genetics (formerly Invitae), Labcorp
Classification: Uncertain significance. Last evaluated: 2022-07-25. Review status: criteria provided, single submitter. Criteria: Invitae Variant Classification Sherloc (09022015). Collection method: clinical testing. Allele origin: germline.
Comment: This sequence change replaces arginine, which is basic and polar, with cysteine, which is neutral and slightly polar, at codon 1448 of the TUBGCP6 protein (p.Arg1448Cys). The frequency data for this variant in the population databases is considered unreliable, as metrics indicate poor data quality at this position in the gnomAD database. This variant has not been reported in the literature in individuals affected with TUBGCP6-related conditions. ClinVar contains an entry for this variant (Variation ID: 1006323). Algorithms developed to predict the effect of missense changes on protein structure and function are either unavailable or do not agree on the potential impact of this missense change (SIFT: "Tolerated"; PolyPhen-2: "Possibly Damaging"; Align-GVGD: "Class C0"). Algorithms developed to predict the effect of sequence changes on RNA splicing suggest that this variant may disrupt the consensus splice site. In summary, the available evidence is currently insufficient to determine the role of this variant in disease. Therefore, it has been classified as a Variant of Uncertain Significance.

NM_020461.4(TUBGCP6):c.4342C>T (p.Arg1448Cys)

Gene: TUBGCP6 (tubulin gamma complex component 6; minus strand). Cytogenetic location: 22q13.33.
Variant type: single nucleotide variant.
Coding change: c.4342C>T on transcript NM_020461.4 (MANE Select); coding-DNA position 4342, C replaced by T.
Protein change: p.Arg1448Cys; replaces arginine 1448 with cysteine.
Molecular consequence: missense variant.
Genome position (GRCh38, 1-based): chr22:50,219,430, G>A on the plus strand (C>T on the coding strand, the complement: TUBGCP6 is on the minus strand). VCF-style: chr22-50219430-G-A. GRCh37 (hg19) VCF-style: chr22-50657859-G-A.
Other names: c.4342C>T (NM_020461.3); short protein forms R1448C.
Identifiers: ClinVar variation 1006323 (VCV001006323.7), dbSNP rs778946294, ClinGen allele CA10307538.